The following is an entry in ClinVar:

ClinVar aggregate classification (germline): Likely pathogenic (1 of 4 stars; one submission).

Conditions:
Autosomal recessive Alport syndrome (ATS2). Also called: Alport syndrome type 2; COL4A4 Alport Syndrome and Thin Basement Membrane Nephropathy; ALPORT SYNDROME 2, AUTOSOMAL RECESSIVE; COL4A3-Related Nephropathy. Identifiers: Orphanet 63, Orphanet 88919, MedGen C4746745, MONDO:0008762, OMIM 203780.

Submission:

Myriad Genetics, Inc.
Classification: Likely pathogenic for Autosomal recessive Alport syndrome. Last evaluated: 2021-12-07. Review status: criteria provided, single submitter. Criteria: Myriad Women's Health Autosomal Recessive and X-Linked Classification Criteria (2021). Collection method: clinical testing. Allele origin: unknown.
Comment: NM_000092.4(COL4A4):c.1153G>T(G385*) is expected to be pathogenic in the context of COL4A4-related Alport syndrome. This variant is predicted to lead to an abnormal or absent protein product due to the creation of a premature termination codon in COL4A4, a gene where loss-of-function variants are known to be pathogenic. Please note: this variant was assessed in the context of healthy population screening.

NM_000092.5(COL4A4):c.1153G>T (p.Gly385Ter)

Gene: COL4A4 (collagen type IV alpha 4 chain; minus strand). Cytogenetic location: 2q36.3.
Variant type: single nucleotide variant.
Coding change: c.1153G>T on transcript NM_000092.5 (MANE Select); coding-DNA position 1153, G replaced by T.
Protein change: p.Gly385Ter; replaces glycine 385 with a stop codon.
Molecular consequence: nonsense.
Genome position (GRCh38, 1-based): chr2:227,098,745, C>A on the plus strand (G>T on the coding strand, the complement: COL4A4 is on the minus strand). VCF-style: chr2-227098745-C-A. GRCh37 (hg19) VCF-style: chr2-227963461-C-A.
Other names: short protein forms G385*.
Identifiers: ClinVar variation 1725776 (VCV001725776.2), dbSNP rs2475419713, ClinGen allele CA350854004.